The following is an entry in ClinVar:

ClinVar aggregate classification (germline): Uncertain significance (1 of 4 stars; one submission).

Conditions:
Neuroblastoma, susceptibility to, 3. Also called: ALK-Related Neuroblastic Tumor Susceptibility. Identifiers: Orphanet 635, MedGen C2751681, MONDO:0013083, OMIM 613014.

Submission:

Labcorp Genetics (formerly Invitae), Labcorp
Classification: Uncertain significance for Neuroblastoma, susceptibility to, 3. Last evaluated: 2023-12-27. Review status: criteria provided, single submitter. Criteria: Invitae Variant Classification Sherloc (09022015). Collection method: clinical testing. Allele origin: germline.
Comment: This sequence change replaces threonine, which is neutral and polar, with asparagine, which is neutral and polar, at codon 523 of the ALK protein (p.Thr523Asn). This variant is not present in population databases (gnomAD no frequency). This variant has not been reported in the literature in individuals affected with ALK-related conditions. An algorithm developed to predict the effect of missense changes on protein structure and function (PolyPhen-2) suggests that this variant is likely to be disruptive. In summary, the available evidence is currently insufficient to determine the role of this variant in disease. Therefore, it has been classified as a Variant of Uncertain Significance.

NM_004304.5(ALK):c.1568C>A (p.Thr523Asn)

Gene: ALK (ALK receptor tyrosine kinase; minus strand). Cytogenetic location: 2p23.2.
Variant type: single nucleotide variant.
Coding change: c.1568C>A on transcript NM_004304.5 (MANE Select); coding-DNA position 1568, C replaced by A.
Protein change: p.Thr523Asn; replaces threonine 523 with asparagine.
Molecular consequence: missense variant.
Genome position (GRCh38, 1-based): chr2:29,318,383, G>T on the plus strand (C>A on the coding strand, the complement: ALK is on the minus strand). VCF-style: chr2-29318383-G-T. GRCh37 (hg19) VCF-style: chr2-29541249-G-T.
Other names: short protein forms T523N.
Identifiers: ClinVar variation 2705795 (VCV002705795.3), dbSNP rs1553409330, ClinGen allele CA346471328.